The following is an entry in ClinVar:

NM_000052.7(ATP7A):c.2033T>G (p.Phe678Cys)

Gene: ATP7A (ATPase copper transporting alpha; plus strand). Cytogenetic location: Xq21.1.
Variant type: single nucleotide variant.
Coding change: c.2033T>G on transcript NM_000052.7 (MANE Select); coding-DNA position 2033, T replaced by G.
Protein change: p.Phe678Cys; replaces phenylalanine 678 with cysteine.
Molecular consequence: missense variant.
Genome position (GRCh38, 1-based): chrX:78,011,535, T>G. VCF-style: chrX-78011535-T-G. GRCh37 (hg19) VCF-style: chrX-77267032-T-G.
Other names: c.2033T>G, p.Phe678Cys (NM_001282224.2); short protein forms F678C.
Identifiers: ClinVar variation 2103724 (VCV002103724.4), dbSNP rs2522350046, ClinGen allele CA413598265.
Genomic context (GRCh38, chrX:78,011,535, plus strand): 5'-TGTTTTTCTGTATTCCTGTAATGGGGCTGATGATATATATGATGGTTATGGACCACCACT[T>G]TGCAACTCTTCACCATAATCAAAACATGAGTAAAGAAGAAATGATCAACCTTCATTCTTC-3'
Protein context (NP_000043.4, residues 668-688): MIYMMVMDHH[Phe678Cys]ATLHHNQNMS

ClinVar aggregate classification (germline): Uncertain significance (1 of 4 stars; one submission).

Conditions:
X-linked distal spinal muscular atrophy type 3. Also called: ATP7A-Related Distal Motor Neuropathy; SPINAL MUSCULAR ATROPHY, DISTAL, X-LINKED RECESSIVE; NEURONOPATHY, DISTAL HEREDITARY MOTOR, X-LINKED; NEUROPATHY, DISTAL HEREDITARY MOTOR, X-LINKED. Identifiers: Orphanet 139557, MedGen C1845359, MONDO:0010338, OMIM 300489.
Menkes kinky-hair syndrome (MNK). Also called: Copper transport disease; Menkes Disease; Classic Menkes Disease. Identifiers: Orphanet 565, MedGen C0022716, MONDO:0010651, OMIM 309400.
Cutis laxa, X-linked (OHS). Also called: EDS IX; Occipital horn syndrome. Identifiers: Orphanet 198, MedGen C0268353, MONDO:0010572, OMIM 304150.

Submission:

Labcorp Genetics (formerly Invitae), Labcorp
Classification: Uncertain significance for X-linked distal spinal muscular atrophy type 3; Cutis laxa, X-linked; Menkes kinky-hair syndrome. Last evaluated: 2022-03-01. Review status: criteria provided, single submitter. Criteria: Invitae Variant Classification Sherloc (09022015). Collection method: clinical testing. Allele origin: germline.
Comment: In summary, the available evidence is currently insufficient to determine the role of this variant in disease. Therefore, it has been classified as a Variant of Uncertain Significance. Advanced modeling of protein sequence and biophysical properties (such as structural, functional, and spatial information, amino acid conservation, physicochemical variation, residue mobility, and thermodynamic stability) performed at Invitae indicates that this missense variant is not expected to disrupt ATP7A protein function. This variant has not been reported in the literature in individuals affected with ATP7A-related conditions. This variant is not present in population databases (gnomAD no frequency). This sequence change replaces phenylalanine, which is neutral and non-polar, with cysteine, which is neutral and slightly polar, at codon 678 of the ATP7A protein (p.Phe678Cys).